The following is an entry in ClinVar:

NM_014271.4(IL1RAPL1):c.1145A>C (p.Lys382Thr)

Gene: IL1RAPL1 (interleukin 1 receptor accessory protein like 1; plus strand). Cytogenetic location: Xp21.2.
Variant type: single nucleotide variant.
Coding change: c.1145A>C on transcript NM_014271.4 (MANE Select); coding-DNA position 1145, A replaced by C.
Protein change: p.Lys382Thr; replaces lysine 382 with threonine.
Molecular consequence: missense variant.
Genome position (GRCh38, 1-based): chrX:29,941,738, A>C. VCF-style: chrX-29941738-A-C. GRCh37 (hg19) VCF-style: chrX-29959855-A-C.
Other names: short protein forms K382T.
Identifiers: ClinVar variation 4795783 (VCV004795783.1).

ClinVar aggregate classification (germline): Uncertain significance (1 of 4 stars; one submission).

Submission:

GeneDx
Classification: Uncertain significance. Last evaluated: 2025-08-13. Review status: criteria provided, single submitter. Criteria: GeneDx Variant Classification Process June 2021. Collection method: clinical testing. Allele origin: germline. Affected: yes.
Comment: Not observed at significant frequency in large population cohorts (gnomAD); In silico analysis suggests that this missense variant does not alter protein structure/function; Has not been previously published as pathogenic or benign to our knowledge